The following is an entry in ClinVar:

NM_004168.4(SDHA):c.63+19C>A

Gene: SDHA (succinate dehydrogenase complex flavoprotein subunit A; plus strand). Cytogenetic location: 5p15.33.
Variant type: single nucleotide variant.
Coding change: c.63+19C>A on transcript NM_004168.4 (MANE Select); 19 bases into the intron after coding-DNA position 63, C replaced by A.
Molecular consequence: intron variant.
Genome position (GRCh38, 1-based): chr5:218,437, C>A. VCF-style: chr5-218437-C-A. GRCh37 (hg19) VCF-style: chr5-218552-C-A.
Other names: c.63+19C>A (NM_001330758.2, NM_001294332.2).
Identifiers: ClinVar variation 508386 (VCV000508386.9), dbSNP rs1553996384, ClinGen allele CA658796482.

ClinVar aggregate classification (germline): Likely benign. Review status: criteria provided, multiple submitters, no conflicts (2 of 4 stars). 2 submissions from 2 submitters: Likely benign (2). Last evaluated 2025-12-15.

Conditions:
Mitochondrial complex II deficiency, nuclear type 1. Also called: SUCCINATE CoQ REDUCTASE DEFICIENCY. Identifiers: Orphanet 3208, MedGen C5700310, MONDO:0100294, OMIM 252011.
Pheochromocytoma/paraganglioma syndrome 5. Also called: Paragangliomas 5; SDHA-Related Hereditary Paraganglioma-Pheochromocytoma Syndrome. Identifiers: Orphanet 29072, MedGen C3279992, MONDO:0013602, OMIM 614165.

Submissions (2):

Labcorp Genetics (formerly Invitae), Labcorp
Classification: Likely benign for Pheochromocytoma/paraganglioma syndrome 5; Mitochondrial complex II deficiency, nuclear type 1. Last evaluated: 2025-12-15. Review status: criteria provided, single submitter. Criteria: Invitae Variant Classification Sherloc (09022015). Collection method: clinical testing. Allele origin: germline.

GeneDx
Classification: Likely benign. Last evaluated: 2017-04-11. Review status: criteria provided, single submitter. Criteria: GeneDx Variant Classification (06012015). Collection method: clinical testing. Allele origin: germline. Affected: yes.
Comment: This variant is considered likely benign or benign based on one or more of the following criteria: it is a conservative change, it occurs at a poorly conserved position in the protein, it is predicted to be benign by multiple in silico algorithms, and/or has population frequency not consistent with disease.